The following is an entry in ClinVar:

NM_000057.4(BLM):c.2915G>T (p.Gly972Val)

Gene: BLM (BLM RecQ like helicase; plus strand). Cytogenetic location: 15q26.1.
Variant type: single nucleotide variant.
Coding change: c.2915G>T on transcript NM_000057.4 (MANE Select); coding-DNA position 2915, G replaced by T.
Protein change: p.Gly972Val; replaces glycine 972 with valine.
Molecular consequence: missense variant.
Genome position (GRCh38, 1-based): chr15:90,790,740, G>T. VCF-style: chr15-90790740-G-T. GRCh37 (hg19) VCF-style: chr15-91333970-G-T.
Other names: c.2915G>T, p.Gly972Val (NM_001287246.2, NM_001287247.2); c.1790G>T, p.Gly597Val (NM_001287248.2); short protein forms G597V, G972V.
Identifiers: ClinVar variation 662521 (VCV000662521.10), dbSNP rs150475674, ClinGen allele CA7738895.

ClinVar aggregate classification (germline): Uncertain significance. Review status: criteria provided, multiple submitters, no conflicts (2 of 4 stars). 3 submissions from 3 submitters: Uncertain significance (2). 1 of the submissions does not count toward it. Last evaluated 2024-12-24.

Conditions:
Bloom syndrome (BLM). Also called: Bloom-Torre-Machacek syndrome. Identifiers: Orphanet 125, MedGen C0005859, MONDO:0008876, OMIM 210900.
Hereditary cancer-predisposing syndrome. Also called: Neoplastic Syndromes, Hereditary; Tumor predisposition; Hereditary neoplastic syndrome; Hereditary Cancer Syndrome. Identifiers: Orphanet 140162, MedGen C0027672, MeSH D009386, MONDO:0015356.

Allele frequency attached by ClinVar (database versions not stated): gnomAD exomes below 0.00001 and 0.00001; gnomAD 0.00001; TOPMed 0.00001; ExAC 0.00002; ESP Exome Variant Server 0.00008.
gnomAD v4.1: 8 of 1,613,990 alleles (0.0005%); highest among the groups gnomAD compares: Admixed American, 0.0017%; no homozygotes.

Submissions (3):

Labcorp Genetics (formerly Invitae), Labcorp
Classification: Uncertain significance for Bloom syndrome. Last evaluated: 2024-12-24. Review status: criteria provided, single submitter. Criteria: Invitae Variant Classification Sherloc (09022015). Collection method: clinical testing. Allele origin: germline.
Comment: This sequence change replaces glycine, which is neutral and non-polar, with valine, which is neutral and non-polar, at codon 972 of the BLM protein (p.Gly972Val). This variant is present in population databases (rs150475674, gnomAD 0.003%). This variant has not been reported in the literature in individuals affected with BLM-related conditions. ClinVar contains an entry for this variant (Variation ID: 662521). Invitae Evidence Modeling of protein sequence and biophysical properties (such as structural, functional, and spatial information, amino acid conservation, physicochemical variation, residue mobility, and thermodynamic stability) indicates that this missense variant is expected to disrupt BLM protein function with a positive predictive value of 80%. Experimental studies have shown that this missense change affects BLM function (PMID: 23129629, 26788541). In summary, the available evidence is currently insufficient to determine the role of this variant in disease. Therefore, it has been classified as a Variant of Uncertain Significance.

Ambry Genetics
Classification: Uncertain significance for Hereditary cancer-predisposing syndrome. Last evaluated: 2024-11-07. Review status: criteria provided, single submitter. Criteria: Ambry Variant Classification Scheme 2023. Collection method: clinical testing. Allele origin: germline.
Comment: The p.G972V variant (also known as c.2915G>T), located in coding exon 14 of the BLM gene, results from a G to T substitution at nucleotide position 2915. The glycine at codon 972 is replaced by valine, an amino acid with dissimilar properties. Functional studies performed in yeast showed increased sensitivity to DNA damaging agents comparable to that of known BLM mutations (Mirzaei H et al. Proc. Natl. Acad. Sci. U.S.A. 2012 Nov;109:19357-62; Shastri VM et al. Mol Genet Genomic Med. 2016 Jan;4:106-19). This amino acid position is highly conserved in available vertebrate species. In addition, this alteration is predicted to be deleterious by in silico analysis. Based on the available evidence, the clinical significance of this variant remains unclear.

Natera, Inc.
Classification: Uncertain significance for Bloom syndrome. Last evaluated: 2020-09-16. Review status: no assertion criteria provided. Collection method: clinical testing. Allele origin: germline. Not counted in ClinVar's aggregate classification.

Literature cited by the submitters: PubMed 23129629 (cited by Labcorp Genetics (formerly Invitae), Labcorp and Ambry Genetics); PubMed 26788541 (cited by Labcorp Genetics (formerly Invitae), Labcorp).